The following is an entry in ClinVar:

NM_001478.5(B4GALNT1):c.800T>C (p.Leu267Pro)

Gene: B4GALNT1 (beta-1,4-N-acetyl-galactosaminyltransferase 1; minus strand). Cytogenetic location: 12q13.3.
Variant type: single nucleotide variant.
Coding change: c.800T>C on transcript NM_001478.5 (MANE Select); coding-DNA position 800, T replaced by C.
Protein change: p.Leu267Pro; replaces leucine 267 with proline.
Molecular consequence: missense variant.
Genome position (GRCh38, 1-based): chr12:57,629,059, A>G on the plus strand (T>C on the coding strand, the complement: B4GALNT1 is on the minus strand). VCF-style: chr12-57629059-A-G. GRCh37 (hg19) VCF-style: chr12-58022842-A-G.
Other names: c.635T>C, p.Leu212Pro (NM_001276468.2); short protein forms L212P, L267P.
Identifiers: ClinVar variation 652287 (VCV000652287.8), dbSNP rs765702603, ClinGen allele CA6655643.

ClinVar aggregate classification (germline): Uncertain significance (1 of 4 stars; one submission).

Conditions:
Spastic paraplegia. Identifiers: MedGen C0037772, HP:0001258.

Allele frequency attached by ClinVar (database versions not stated): TOPMed below 0.00001; gnomAD 0.00001; gnomAD exomes 0.00001 and 0.00002; ExAC 0.00004.

Submission:

Labcorp Genetics (formerly Invitae), Labcorp
Classification: Uncertain significance for Spastic paraplegia. Last evaluated: 2022-11-28. Review status: criteria provided, single submitter. Criteria: Invitae Variant Classification Sherloc (09022015). Collection method: clinical testing. Allele origin: germline.
Comment: In summary, the available evidence is currently insufficient to determine the role of this variant in disease. Therefore, it has been classified as a Variant of Uncertain Significance. Algorithms developed to predict the effect of missense changes on protein structure and function output the following: SIFT: "Tolerated"; PolyPhen-2: "Benign"; Align-GVGD: "Class C0". The proline amino acid residue is found in multiple mammalian species, which suggests that this missense change does not adversely affect protein function. ClinVar contains an entry for this variant (Variation ID: 652287). This variant has not been reported in the literature in individuals affected with B4GALNT1-related conditions. This variant is present in population databases (rs765702603, gnomAD 0.01%). This sequence change replaces leucine, which is neutral and non-polar, with proline, which is neutral and non-polar, at codon 267 of the B4GALNT1 protein (p.Leu267Pro).